The following is an entry in ClinVar:

ClinVar aggregate classification (germline): Uncertain significance (1 of 4 stars; one submission).

Conditions:
Charcot-Marie-Tooth disease type 4. Also called: Charcot-Marie-Tooth disease, type IV; Charcot-Marie-Tooth, Type 4. Identifiers: Orphanet 64749, MedGen C4082197, MONDO:0018995.

Submission:

Labcorp Genetics (formerly Invitae), Labcorp
Classification: Uncertain significance for Charcot-Marie-Tooth disease type 4. Last evaluated: 2021-11-05. Review status: criteria provided, single submitter. Criteria: Invitae Variant Classification Sherloc (09022015). Collection method: clinical testing. Allele origin: germline.
Comment: This sequence change replaces leucine, which is neutral and non-polar, with phenylalanine, which is neutral and non-polar, at codon 740 of the SH3TC2 protein (p.Leu740Phe). This variant is not present in population databases (gnomAD no frequency). In summary, the available evidence is currently insufficient to determine the role of this variant in disease. Therefore, it has been classified as a Variant of Uncertain Significance. Advanced modeling of protein sequence and biophysical properties (such as structural, functional, and spatial information, amino acid conservation, physicochemical variation, residue mobility, and thermodynamic stability) performed at Invitae indicates that this missense variant is not expected to disrupt SH3TC2 protein function. This variant has not been reported in the literature in individuals affected with SH3TC2-related conditions.

NM_024577.4(SH3TC2):c.2218C>T (p.Leu740Phe)

Gene: SH3TC2 (SH3 domain and tetratricopeptide repeats 2; minus strand). Cytogenetic location: 5q32.
Variant type: single nucleotide variant.
Coding change: c.2218C>T on transcript NM_024577.4 (MANE Select); coding-DNA position 2218, C replaced by T.
Protein change: p.Leu740Phe; replaces leucine 740 with phenylalanine.
Molecular consequence: missense variant.
Genome position (GRCh38, 1-based): chr5:149,027,514, G>A on the plus strand (C>T on the coding strand, the complement: SH3TC2 is on the minus strand). VCF-style: chr5-149027514-G-A. GRCh37 (hg19) VCF-style: chr5-148407077-G-A.
Other names: short protein forms L740F.
Identifiers: ClinVar variation 1375320 (VCV001375320.6), dbSNP rs2127397272, ClinGen allele CA361666825.